The following continues an entry in ClinVar:

NM_022787.4(NMNAT1):c.769G>A (p.Glu257Lys)

Gene: NMNAT1. ClinVar aggregate classification (germline): Pathogenic/Likely pathogenic. Pathogenic (21); Likely pathogenic (3).

Submissions 9 to 26 of 30:

3billion
Classification: Likely pathogenic for Leber congenital amaurosis 9. Last evaluated: 2025-08-13. Review status: criteria provided, single submitter. Criteria: ACMG Guidelines, 2015. Collection method: clinical testing. Allele origin: germline. Affected: yes.
Comment: The variant is observed at an extremely low frequency in the gnomAD v4.1.0 dataset (total allele frequency: 0.101%). Predicted Consequence/Location: Missense variant In silico tool predictions suggest damaging effect of the variant on gene or gene product [REVEL: 0.69 (>=0.6, sensitivity 0.68 and specificity 0.92)]. The same nucleotide change resulting in the same amino acid change has been previously reported as pathogenic/likely pathogenic with strong evidence (ClinVar ID: VCV000037134 /PMID: 22842231 /3billion dataset). Therefore, this variant is classified as Likely pathogenic according to the recommendation of ACMG/AMP guideline.

First Genomix Gene Laboratory, Genetic Diagnostics Department
Classification: Pathogenic for Spondyloepiphyseal dysplasia, sensorineural hearing loss, impaired intellectual development, and leber congenital amaurosis; Leber congenital amaurosis 9. Last evaluated: 2025-05-23. Review status: criteria provided, single submitter. Criteria: ACMG Guidelines, 2015. Collection method: clinical testing. Allele origin: germline. Inheritance: Autosomal recessive inheritance. Affected: no. Observed: 1 variant allele.

Revvity Omics, Revvity
Classification: Pathogenic. Last evaluated: 2025-03-27. Review status: criteria provided, single submitter. Criteria: ACMG Guidelines, 2015. Collection method: clinical testing. Allele origin: germline.

Variantyx, Inc.
Classification: Pathogenic for autosomal recessive NMNAT1-related disorders.. Last evaluated: 2025-03-20. Review status: criteria provided, single submitter. Criteria: Variantyx Assertion Criteria 2022. Collection method: clinical testing. Allele origin: paternal. Inheritance: Autosomal recessive inheritance.
Comment: This is a nonsynonymous variant in the NMNAT1 gene (OMIM: 608700). Pathogenic variants in this gene have been associated with autosomal recessive NMNAT1-related disorders. This variant has been identified in the homozygous or compound heterozygous state in at least 6 individual(s) from the published literature (PMID: 22842231) (PM3). This variant has been observed to segregate with disease in at least 2 individuals from 1 family (PMID: 22842231) (PP1). Functional studies have shown that this variant alters NMNAT1 protein function (PMID: 22842230, 29674119, 26018082) (PS3). Multiple computational algorithms predict a deleterious effect for this variant (REVEL score: 0.694) (PP3). This variant has a 0.1251% maximum allele frequency in non-founder control populations. Based on the current evidence, this variant is classified as pathogenic for autosomal recessive NMNAT1-related disorders.

Variantyx, Inc.
Classification: Pathogenic for Autosomal recessive NMNAT1-related disorders. Last evaluated: 2025-03-20. Review status: criteria provided, single submitter. Criteria: Variantyx Assertion Criteria 2022. Collection method: clinical testing. Allele origin: paternal. Inheritance: Autosomal recessive inheritance.
Comment: the same text as in the submission from Variantyx, Inc. above.

Blueprint Genetics
Classification: Pathogenic for NMNAT1-related disorders. Last evaluated: 2024-10-21. Review status: criteria provided, single submitter. Criteria: ACMG Guidelines, 2015. Collection method: clinical testing. Allele origin: germline. Affected: yes. Observed: 5 variant alleles.

Lab De Baere, Eye and Developmental Genetics Lab, Ghent University
Classification: Likely pathogenic for Leber congenital amaurosis. Last evaluated: 2024-10-01. Review status: criteria provided, single submitter. Criteria: ACMG Guidelines, 2015. Collection method: research. Allele origin: inherited. Affected: yes. Observed: 1 variant allele.
Comment: ACMG/AMP guidelines: PP4_PP, PM3_PVS

Ambry Genetics
Classification: Pathogenic for Inborn genetic diseases. Last evaluated: 2024-06-24. Review status: criteria provided, single submitter. Criteria: Ambry Variant Classification Scheme 2023. Collection method: clinical testing. Allele origin: germline.
Comment: The c.769G>A (p.E257K) alteration is located in exon 5 (coding exon 4) of the NMNAT1 gene. This alteration results from a G to A substitution at nucleotide position 769, causing the glutamic acid (E) at amino acid position 257 to be replaced by a lysine (K). Based on data from gnomAD, the A allele has an overall frequency of 0.07% (196/282064) total alleles studied. The highest observed frequency was 0.122% (157/128844) of European (non-Finnish) alleles. This variant has been identified in the homozygous state and/or in conjunction with other NMNAT1 variants in individuals with features consistent with NMNAT1-related retinopathy; in at least one instance, the variants were identified in trans (Chiang, 2012; Koenekoop, 2012; Perrault, 2012). This amino acid position is well conserved in available vertebrate species. Functional studies have demonstrated this variant affects enzyme function (Koenekoop, 2012; Sasaki, 2015). This alteration is predicted to be deleterious by in silico analysis. Based on the available evidence, this alteration is classified as pathogenic.

Genomic Medicine Center of Excellence, King Faisal Specialist Hospital and Research Centre
Classification: Pathogenic for Leber congenital amaurosis 9. Last evaluated: 2024-03-25. Review status: criteria provided, single submitter. Criteria: ACMG Guidelines, 2015. Collection method: research. Allele origin: germline.

Department of Pathology and Laboratory Medicine, Sinai Health System
Classification: Pathogenic for Leber congenital amaurosis 9; Spondyloepiphyseal dysplasia, sensorineural hearing loss, impaired intellectual development, and leber congenital amaurosis. Last evaluated: 2023-02-22. Review status: criteria provided, single submitter. Criteria: ACMG Guidelines, 2015. Collection method: research. Allele origin: germline.

Institute of Human Genetics, Univ. Regensburg, Univ. Regensburg
Classification: Pathogenic for Retinal dystrophy. Last evaluated: 2022-01-01. Review status: criteria provided, single submitter. Criteria: ACMG Guidelines, 2015. Collection method: clinical testing. Allele origin: germline. Affected: yes.

GeneDx
Classification: Pathogenic. Last evaluated: 2021-12-09. Review status: criteria provided, single submitter. Criteria: GeneDx Variant Classification Process June 2021. Collection method: clinical testing. Allele origin: germline. Affected: yes.
Comment: Published functional studies demonstrate a damaging effect with p.(E257K) resulting in abnormal protein folding, a less stable protein under thermal stress, and significantly reduced enzymatic activity (Koenekoop et al., 2012; Sasaki et al., 2015); This variant is associated with the following publications: (PMID: 24940029, 24830548, 28224992, 22842231, 32150116, 32507954, 22842227, 26018082, 22842229, 27032803, 29184169, 29178642, 24625443, 28492532, 30609409, 28559085, 30576320, 29674119, 31456290, 31980526, 32581362, 34426522, 31589614, 32865313, 32037395, 30004997, 22842230)

Cambridge Genomics Laboratory, East Genomic Laboratory Hub, NHS Genomic Medicine Service
Classification: Likely pathogenic for Cone-rod dystrophy. Last evaluated: 2020-03-27. Review status: criteria provided, single submitter. Criteria: ACGS Best Practice Guidelines for Variant Classification in Rare Disease 2020. Collection method: clinical testing. Allele origin: germline. Affected: yes. Observed: 1 variant allele.

Fulgent Genetics
Classification: Pathogenic for Leber congenital amaurosis 9. Last evaluated: 2018-10-31. Review status: criteria provided, single submitter. Criteria: ACMG Guidelines, 2015. Collection method: clinical testing. Allele origin: unknown.

Laboratory for Molecular Medicine, Mass General Brigham Personalized Medicine
Classification: Pathogenic for Leber congenital amaurosis. Last evaluated: 2016-06-16. Review status: criteria provided, single submitter. Criteria: LMM Criteria. Collection method: clinical testing. Allele origin: germline. Inheritance: Autosomal recessive inheritance. Observed: 2 variant alleles.
Comment: The p.Glu257Lys variant in NMNAT1 has been reported in >20 compound heterozygous individuals with Leber congenital amaurosis (LCA) and was the most frequent NMN AT1 variant identified in patients (Chiang 2012, Falk 2012, Koenekoop 2012, Perr ault 2012, Siemiatkowska 2014). In addition, in vitro functional studies provide some evidence that the p.Glu257Lys variant may impact protein function (Sasaki 2015). This variant has also been identified in 0.06% (74/120,500) of chromosome s by the Exome Aggregation Consortium (ExAC; dbS NP rs150726175). Although this variant has been seen in the general population, its frequency is low enough to be consistent with a recessive carrier frequency. However, available data suggests that this variant only causes disease when the re is a severe pathogenic variant on the opposite allele (Siemiatkowska 2014). I ndividuals homozygous for this variant are not expected to be affected with LCA. In summary, the p.Glu257Lys variant meets our criteria to be classified as pat hogenic for LCA in an autosomal recessive manner based upon its identification i n affected individuals in trans with other disease-associated variants, low freq uency in controls, and functional evidence.

Genetics Research Center, University of Social Welfare and Rehabilitation Sciences
Classification: Pathogenic for Hereditary Spastic Paraplegia (HSP). Review status: criteria provided, single submitter. Criteria: ACMG Guidelines, 2015. Collection method: clinical testing. Allele origin: germline. Inheritance: Autosomal recessive inheritance. Affected: yes.
Comment: The c.769G>A​(p.Glu257Lys) variant causes a missense change. The variant allele was found at a frequency of 0.00101 in 1,614,146 control chromosomes in the GnomAD database, including 1 homozygotes. In-silico tool predicts a pathogenic outcome for this variant (REVEL = 0.69). Experimental studies have shown that this missense change affects NMNAT1 function. The variant co-segregated within the family. Overall, it meets PS3, PP1, PP2, PP3, and PP5 ACMG criteria.

Sharon lab, Hadassah-Hebrew University Medical Center
Classification: Pathogenic for Leber congenital amaurosis. Last evaluated: 2019-06-23. Review status: no assertion criteria provided. Collection method: research. Allele origin: inherited. Affected: yes. Not counted in ClinVar's aggregate classification.

NIHR Bioresource Rare Diseases, University of Cambridge
Classification: Likely pathogenic for Leber congenital amaurosis. Last evaluated: 2015-01-01. Review status: no assertion criteria provided. Collection method: research. Allele origin: unknown. Affected: yes. Observed: 2 variant alleles. Not counted in ClinVar's aggregate classification.